The following is an entry in ClinVar:

ClinVar aggregate classification (germline): Uncertain significance (1 of 4 stars; one submission).

Submission:

GeneDx
Classification: Uncertain significance. Last evaluated: 2023-02-22. Review status: criteria provided, single submitter. Criteria: GeneDx Variant Classification Process June 2021. Collection method: clinical testing. Allele origin: germline. Affected: yes.
Comment: Not observed at significant frequency in large population cohorts (gnomAD); In silico analysis supports that this missense variant has a deleterious effect on protein structure/function; Has not been previously published as pathogenic or benign to our knowledge; This variant is associated with the following publications: (PMID: 11574484)

NM_000535.7(PMS2):c.202G>T (p.Val68Phe)

Gene: PMS2 (PMS1 homolog 2, mismatch repair system component; minus strand). Cytogenetic location: 7p22.1.
Variant type: single nucleotide variant.
Coding change: c.202G>T on transcript NM_000535.7 (MANE Select); coding-DNA position 202, G replaced by T.
Protein change: p.Val68Phe; replaces valine 68 with phenylalanine.
Molecular consequence: missense variant. On other transcripts: 5 prime UTR variant (44), non-coding transcript variant (1), intron variant (1).
Genome position (GRCh38, 1-based): chr7:6,004,020, C>A on the plus strand (G>T on the coding strand, the complement: PMS2 is on the minus strand). VCF-style: chr7-6004020-C-A. GRCh37 (hg19) VCF-style: chr7-6043651-C-A.
Other names: c.-204G>T (NM_001018040.1, NM_001322003.2, NM_001322004.2 and 14 more transcripts); c.202G>T, p.Val68Phe (NM_001322006.2, NM_001322014.2, NM_001406868.1 and 10 more transcripts); c.-14G>T (NM_001322007.2, NM_001322008.2, NM_001406876.1 and 4 more transcripts); c.-683G>T (NM_001322011.2, NM_001322012.2); c.-283G>T (NM_001322015.2, NM_001406875.1, NM_001406877.1 and 3 more transcripts); c.388G>T, p.Val130Phe (NM_001406866.1); c.-230G>T (NM_001406880.1); c.-180G>T (NM_001406881.1, NM_001406900.1); and 3 more; short protein forms V130F, V68F.
Identifiers: ClinVar variation 2577695 (VCV002577695.1), dbSNP rs2128830137, ClinGen allele CA366744859.